The following is an entry in ClinVar:

ClinVar aggregate classification (germline): Uncertain significance (1 of 4 stars; one submission).

Conditions:
Hereditary cancer-predisposing syndrome. Also called: Neoplastic Syndromes, Hereditary; Tumor predisposition; Hereditary neoplastic syndrome; Hereditary Cancer Syndrome. Identifiers: Orphanet 140162, MedGen C0027672, MeSH D009386, MONDO:0015356.

Submission:

Ambry Genetics
Classification: Uncertain significance for Hereditary cancer-predisposing syndrome. Last evaluated: 2026-07-06. Review status: criteria provided, single submitter. Criteria: Ambry Variant Classification Scheme 2023. Collection method: clinical testing. Allele origin: germline.
Comment: The p.N716K variant (also known as c.2148C>A), located in coding exon 15 of the TSC1 gene, results from a C to A substitution at nucleotide position 2148. The asparagine at codon 716 is replaced by lysine, an amino acid with similar properties. This amino acid position is conserved. In addition, the in silico prediction for this alteration is inconclusive. Based on the available evidence, the clinical significance of this variant remains unclear.

NM_000368.5(TSC1):c.2148C>A (p.Asn716Lys)

Gene: TSC1 (TSC complex subunit 1; minus strand). Cytogenetic location: 9q34.13.
Variant type: single nucleotide variant.
Coding change: c.2148C>A on transcript NM_000368.5 (MANE Select); coding-DNA position 2148, C replaced by A.
Protein change: p.Asn716Lys; replaces asparagine 716 with lysine.
Molecular consequence: missense variant. On other transcripts: non-coding transcript variant (4).
Genome position (GRCh38, 1-based): chr9:132,903,711, G>T on the plus strand (C>A on the coding strand, the complement: TSC1 is on the minus strand). VCF-style: chr9-132903711-G-T. GRCh37 (hg19) VCF-style: chr9-135779098-G-T.
Other names: c.2145C>A, p.Asn715Lys (NM_001406608.1, NM_001406609.1, NM_001406597.1 and 4 more transcripts); c.1995C>A, p.Asn665Lys (NM_001406610.1, NM_001162427.2); c.1992C>A, p.Asn664Lys (NM_001406611.1, NM_001406612.1, NM_001406613.1); c.1785C>A, p.Asn595Lys (NM_001406614.1, NM_001406615.1, NM_001406616.1 and 5 more transcripts); c.1782C>A, p.Asn594Lys (NM_001406620.1, NM_001406621.1, NM_001406622.1 and 2 more transcripts); c.1197C>A, p.Asn399Lys (NM_001406626.1); c.1194C>A, p.Asn398Lys (NM_001406627.1, NM_001406628.1); c.1095C>A, p.Asn365Lys (NM_001406629.1, NM_001406630.1); and 3 more; short protein forms N398K, N594K, N595K, N664K, N710K, N711K, N716K, N399K.
Identifiers: ClinVar variation 5031220 (VCV005031220.1).